The following is an entry in ClinVar:

ClinVar aggregate classification (germline): Uncertain significance. Review status: criteria provided, multiple submitters, no conflicts (2 of 4 stars). 2 submissions from 2 submitters: Uncertain significance (2). Last evaluated 2022-05-16.

Conditions:
ALG12-congenital disorder of glycosylation (CDG1G). Also called: Congenital disorder of glycosylation, type Ig; CDG Ig; ALG12-CDG. Identifiers: Orphanet 79324, MedGen C2931001, MONDO:0011783, OMIM 607143.

Allele frequency attached by ClinVar (database versions not stated): gnomAD exomes below 0.00001; gnomAD 0.00001; TOPMed 0.00001.
gnomAD v4.1: 10 of 1,614,020 alleles (0.00062%); highest among the groups gnomAD compares: African/African-American, 0.0053%; no homozygotes.

Submissions (2):

Labcorp Genetics (formerly Invitae), Labcorp
Classification: Uncertain significance for ALG12-congenital disorder of glycosylation. Last evaluated: 2022-05-16. Review status: criteria provided, single submitter. Criteria: Invitae Variant Classification Sherloc (09022015). Collection method: clinical testing. Allele origin: germline.
Comment: ClinVar contains an entry for this variant (Variation ID: 548599). In summary, the available evidence is currently insufficient to determine the role of this variant in disease. Therefore, it has been classified as a Variant of Uncertain Significance. Algorithms developed to predict the effect of missense changes on protein structure and function (SIFT, PolyPhen-2, Align-GVGD) all suggest that this variant is likely to be tolerated. This variant has not been reported in the literature in individuals affected with ALG12-related conditions. This variant is present in population databases (no rsID available, gnomAD 0.004%). This sequence change replaces proline, which is neutral and non-polar, with leucine, which is neutral and non-polar, at codon 215 of the ALG12 protein (p.Pro215Leu).

Genomic Research Center, Shahid Beheshti University of Medical Sciences
Classification: Uncertain significance for ALG12-congenital disorder of glycosylation. Last evaluated: 2018-03-05. Review status: criteria provided, single submitter. Criteria: ACMG Guidelines, 2015. Collection method: clinical testing. Allele origin: inherited. Affected: yes. Observed: 1 variant allele.

NM_024105.4(ALG12):c.644C>T (p.Pro215Leu)

Gene: ALG12 (ALG12 alpha-1,6-mannosyltransferase; minus strand). Cytogenetic location: 22q13.33.
Variant type: single nucleotide variant.
Coding change: c.644C>T on transcript NM_024105.4 (MANE Select); coding-DNA position 644, C replaced by T.
Protein change: p.Pro215Leu; replaces proline 215 with leucine.
Molecular consequence: missense variant.
Genome position (GRCh38, 1-based): chr22:49,909,914, G>A on the plus strand (C>T on the coding strand, the complement: ALG12 is on the minus strand). VCF-style: chr22-49909914-G-A. GRCh37 (hg19) VCF-style: chr22-50303562-G-A.
Other names: short protein forms P215L.
Identifiers: ClinVar variation 548599 (VCV000548599.9), dbSNP rs777173365, ClinGen allele CA412074802.
Genomic context (GRCh38, chr22:49,909,914, plus strand): 5'-ACAAAATCCAGTTAGAAGCATCCCACAGTGACTGACTTACCTAAACAGAGGATCCCTGCC[G>A]GGACGGCGTGGCGAAGGGCTCTGACTACAGAAACCTTTCGGTTGCCCAAGGCCAGCAGCA-3'
Protein context (NP_077010.1, residues 205-225): SVVRALRHAV[Pro215Leu]AGILCLGLTV